The following is an entry in ClinVar:

ClinVar aggregate classification (germline): Uncertain significance (1 of 4 stars; one submission).

Conditions:
Rhabdoid tumor predisposition syndrome 2 (RTPS2). Identifiers: Orphanet 231108, Orphanet 69077, MedGen C2750074, MONDO:0013224, OMIM 613325.

Submission:

Labcorp Genetics (formerly Invitae), Labcorp
Classification: Uncertain significance for Rhabdoid tumor predisposition syndrome 2. Last evaluated: 2023-01-25. Review status: criteria provided, single submitter. Criteria: Invitae Variant Classification Sherloc (09022015). Collection method: clinical testing. Allele origin: germline.
Comment: This variant is not present in population databases (gnomAD no frequency). This sequence change replaces methionine, which is neutral and non-polar, with lysine, which is basic and polar, at codon 189 of the SMARCA4 protein (p.Met189Lys). This variant has not been reported in the literature in individuals affected with SMARCA4-related conditions. Algorithms developed to predict the effect of missense changes on protein structure and function (SIFT, PolyPhen-2, Align-GVGD) all suggest that this variant is likely to be disruptive. In summary, the available evidence is currently insufficient to determine the role of this variant in disease. Therefore, it has been classified as a Variant of Uncertain Significance.

NM_003072.5(SMARCA4):c.566T>A (p.Met189Lys)

Gene: SMARCA4 (SWI/SNF related BAF chromatin remodeling complex subunit ATPase 4; plus strand). Cytogenetic location: 19p13.2.
Variant type: single nucleotide variant.
Coding change: c.566T>A on transcript NM_003072.5 (MANE Select); coding-DNA position 566, T replaced by A.
Protein change: p.Met189Lys; replaces methionine 189 with lysine.
Molecular consequence: missense variant. On other transcripts: non-coding transcript variant (1).
Genome position (GRCh38, 1-based): chr19:10,986,399, T>A. VCF-style: chr19-10986399-T-A. GRCh37 (hg19) VCF-style: chr19-11097075-T-A.
Other names: c.566T>A, p.Met189Lys (NM_001128846.2, NM_001128847.4, NM_001128848.2 and 6 more transcripts); short protein forms M189K.
Identifiers: ClinVar variation 2831829 (VCV002831829.3), dbSNP rs2145778759, ClinGen allele CA404056407.